The following is an entry in ClinVar:

ClinVar aggregate classification (germline): Uncertain significance. Review status: criteria provided, multiple submitters, no conflicts (2 of 4 stars). 2 submissions from 2 submitters: Uncertain significance (2). Last evaluated 2026-09-11.

Conditions:
Hereditary diffuse gastric adenocarcinoma (HDGC). Also called: DIFFUSE GASTRIC AND LOBULAR BREAST CANCER SYNDROME. Identifiers: Orphanet 26106, MedGen C1708349, MONDO:0007648, OMIM 137215.
Hereditary cancer-predisposing syndrome. Also called: Hereditary Cancer Syndrome; Hereditary neoplastic syndrome; Neoplastic Syndromes, Hereditary; Tumor predisposition. Identifiers: Orphanet 140162, MedGen C0027672, MeSH D009386, MONDO:0015356.

Allele frequency attached by ClinVar (database versions not stated): TOPMed below 0.00001; ExAC 0.00001; gnomAD 0.00001.
gnomAD v4.1: 1 of 1,613,712 alleles (0.000062%); highest among the groups gnomAD compares: African/African-American, 0.0013%; no homozygotes.

Submissions (2):

Ambry Genetics
Classification: Uncertain significance for Hereditary cancer-predisposing syndrome. Last evaluated: 2026-09-11. Review status: criteria provided, single submitter. Criteria: Ambry Variant Classification Scheme 2023. Collection method: clinical testing. Allele origin: germline.
Comment: The c.2439+3A>G intronic variant results from an A to G substitution 3 nucleotides after coding exon 15 in the CDH1 gene. This nucleotide position is not well conserved in available vertebrate species. In silico splice site analysis predicts that this alteration will not have any significant effect on splicing. Based on the available evidence, the clinical significance of this variant remains unclear.

European Reference Network on Genetic Tumour Risk Syndromes (ERN-GENTURIS), i3s - Instituto de Investigação e Inovação em Saúde, University of Porto
Classification: Uncertain significance for Hereditary diffuse gastric adenocarcinoma. Last evaluated: 2022-08-01. Review status: criteria provided, single submitter. Criteria: Lee et al. (Hum Mutat. 2018). Collection method: clinical testing. Allele origin: germline. Inheritance: Autosomal dominant inheritance. Affected: no. Study: ERN GENTURIS.
Comment: PM2 (PMID: 30311375)

Literature cited by the submitters: PubMed 36436516 (cited by European Reference Network on Genetic Tumour Risk Syndromes (ERN-GENTURIS), i3s - Instituto de Investigação e Inovação em Saúde, University of Porto).

NM_004360.5(CDH1):c.2439+3A>G

Gene: CDH1 (cadherin 1; plus strand). Cytogenetic location: 16q22.1.
Variant type: single nucleotide variant.
Coding change: c.2439+3A>G on transcript NM_004360.5 (MANE Select); 3 bases into the intron after coding-DNA position 2439, A replaced by G.
Molecular consequence: intron variant.
Genome position (GRCh38, 1-based): chr16:68,829,800, A>G. VCF-style: chr16-68829800-A-G. GRCh37 (hg19) VCF-style: chr16-68863703-A-G.
Other names: c.2439+3A>G (NM_004360.3); c.891+3A>G (NM_001317185.2); c.474+3A>G (NM_001317186.2); c.2256+3A>G (NM_001317184.2).
Identifiers: ClinVar variation 2503003 (VCV002503003.2), dbSNP rs776613678, ClinGen allele CA8130274.